The following is an entry in ClinVar:

ClinVar aggregate classification (germline): Benign/Likely benign. Review status: criteria provided, multiple submitters, no conflicts (2 of 4 stars). 3 submissions from 3 submitters: Benign (1); Likely benign (2). Last evaluated 2025-11-12.

Conditions:
Hereditary cancer-predisposing syndrome. Also called: Hereditary neoplastic syndrome; Neoplastic Syndromes, Hereditary; Tumor predisposition; Hereditary Cancer Syndrome. Identifiers: Orphanet 140162, MedGen C0027672, MeSH D009386, MONDO:0015356.
Familial cancer of breast. Also called: BREAST CANCER, FAMILIAL; Hereditary breast cancer; hereditary breast carcinoma. Identifiers: Orphanet 227535, MedGen C0346153, MONDO:0016419, OMIM 114480. Disease mechanism: loss of function.
Ataxia-telangiectasia syndrome (AT). Also called: LOUIS-BAR SYNDROME; Cerebello-oculocutaneous telangiectasia; Immunodeficiency with ataxia telangiectasia; AT, COMPLEMENTATION GROUP C; Ataxia-telangiectasia, complementation group D; ATAXIA-TELANGIECTASIA, COMPLEMENTATION GROUP A. Identifiers: Orphanet 100, MedGen C0004135, MONDO:0008840, OMIM 208900.

Allele frequency attached by ClinVar (database versions not stated): gnomAD exomes below 0.00001; ExAC 0.00001.
gnomAD v4.1: 1 of 1,614,026 alleles (0.000062%); highest among the groups gnomAD compares: East Asian, 0.0022%; no homozygotes.

Submissions (3):

Labcorp Genetics (formerly Invitae), Labcorp
Classification: Likely benign for Ataxia-telangiectasia syndrome. Last evaluated: 2025-11-12. Review status: criteria provided, single submitter. Criteria: Invitae Variant Classification Sherloc (09022015). Collection method: clinical testing. Allele origin: germline.

Myriad Genetics, Inc.
Classification: Benign for Familial cancer of breast. Last evaluated: 2024-05-13. Review status: criteria provided, single submitter. Criteria: Myriad Autosomal Dominant, Autosomal Recessive and X-Linked Classification Criteria (2023). Collection method: clinical testing. Allele origin: unknown.
Comment: This variant is considered benign. This variant is a silent/synonymous amino acid change and it is not expected to impact splicing.

Ambry Genetics
Classification: Likely benign for Hereditary cancer-predisposing syndrome. Last evaluated: 2016-05-23. Review status: criteria provided, single submitter. Criteria: Ambry Variant Classification Scheme 2023. Collection method: clinical testing. Allele origin: germline.

NM_000051.4(ATM):c.3069A>G (p.Gly1023=)

Gene: ATM (ATM serine/threonine kinase; plus strand). Cytogenetic location: 11q22.3.
Variant type: single nucleotide variant.
Coding change: c.3069A>G on transcript NM_000051.4 (MANE Select); coding-DNA position 3069, A replaced by G.
Protein change: p.Gly1023=; no amino-acid change (glycine 1023 retained).
Molecular consequence: synonymous variant.
Genome position (GRCh38, 1-based): chr11:108,271,398, A>G. VCF-style: chr11-108271398-A-G. GRCh37 (hg19) VCF-style: chr11-108142125-A-G.
Other names: c.3069A>G, p.Gly1023= (NM_001351834.2).
Identifiers: ClinVar variation 481064 (VCV000481064.15), dbSNP rs778984289, ClinGen allele CA6265175.